The following is an entry in ClinVar:

ClinVar aggregate classification (germline): Uncertain significance (1 of 4 stars; one submission).

Conditions:
Developmental and epileptic encephalopathy, 2 (DEE2). Also called: INFANTILE SPASM SYNDROME, X-LINKED 2; CDKL5 deficiency disorder. Identifiers: Orphanet 1934, Orphanet 3451, Orphanet 505652, MedGen C4750718, MONDO:0010396, OMIM 300672.
Angelman syndrome-like. Identifiers: MedGen CN128785.

Submission:

Labcorp Genetics (formerly Invitae), Labcorp
Classification: Uncertain significance for Developmental and epileptic encephalopathy, 2; Angelman syndrome-like. Last evaluated: 2023-06-29. Review status: criteria provided, single submitter. Criteria: Invitae Variant Classification Sherloc (09022015). Collection method: clinical testing. Allele origin: germline.
Comment: This variant is not present in population databases (gnomAD no frequency). This variant has not been reported in the literature in individuals affected with CDKL5-related conditions. ClinVar contains an entry for this variant (Variation ID: 2123052). Advanced modeling of protein sequence and biophysical properties (such as structural, functional, and spatial information, amino acid conservation, physicochemical variation, residue mobility, and thermodynamic stability) performed at Invitae indicates that this missense variant is not expected to disrupt CDKL5 protein function. In summary, the available evidence is currently insufficient to determine the role of this variant in disease. Therefore, it has been classified as a Variant of Uncertain Significance. This sequence change replaces glycine, which is neutral and non-polar, with arginine, which is basic and polar, at codon 553 of the CDKL5 protein (p.Gly553Arg).

NM_001323289.2(CDKL5):c.1657G>A (p.Gly553Arg)

Gene: CDKL5 (cyclin dependent kinase like 5; plus strand). Cytogenetic location: Xp22.13.
Variant type: single nucleotide variant.
Coding change: c.1657G>A on transcript NM_001323289.2 (MANE Select); coding-DNA position 1657, G replaced by A.
Protein change: p.Gly553Arg; replaces glycine 553 with arginine.
Molecular consequence: missense variant.
Genome position (GRCh38, 1-based): chrX:18,604,581, G>A. VCF-style: chrX-18604581-G-A. GRCh37 (hg19) VCF-style: chrX-18622701-G-A.
Other names: c.1657G>A, p.Gly553Arg (NM_001037343.2, NM_003159.3); short protein forms G553R.
Identifiers: ClinVar variation 2123052 (VCV002123052.4), dbSNP rs2518874975, ClinGen allele CA412362150.
Genomic context (GRCh38, chrX:18,604,581, plus strand): 5'-ACCAGACACAGTGACACGAGAACTTTGCTCAGCCCTTCTGGAAGAAATAACCGAAATGAG[G>A]GAACGCTGGACTCACGTCGAACCACAACCAGACATTCTAAGACGATGGAGGAATTGAAGC-3'
Protein context (NP_001310218.1, residues 543-563): SPSGRNNRNE[Gly553Arg]TLDSRRTTTR